The following is an entry in ClinVar:

ClinVar aggregate classification (germline): Uncertain significance (1 of 4 stars; one submission).

Conditions:
Developmental and epileptic encephalopathy, 27 (DEE27). Also called: Epileptic encephalopathy, early infantile, 27; GRIN2B-Related Neurodevelopmental Disorder. Identifiers: Orphanet 3451, MedGen C4015316, MONDO:0014505, OMIM 616139.
Intellectual developmental disorder, autosomal dominant 6, with or without seizures. Also called: Intellectual disability, autosomal dominant 6; GRIN2B-related developmental delay, intellectual disability and autism spectrum disorder. Identifiers: Orphanet 589547, MedGen C3151411, MONDO:0013509, OMIM 613970.

Submission:

Labcorp Genetics (formerly Invitae), Labcorp
Classification: Uncertain significance for Developmental and epileptic encephalopathy, 27; Intellectual developmental disorder, autosomal dominant 6, with or without seizures. Last evaluated: 2025-03-06. Review status: criteria provided, single submitter. Criteria: Invitae Variant Classification Sherloc (09022015). Collection method: clinical testing. Allele origin: germline.
Comment: This sequence change replaces methionine, which is neutral and non-polar, with isoleucine, which is neutral and non-polar, at codon 1342 of the GRIN2B protein (p.Met1342Ile). This variant is not present in population databases (gnomAD no frequency). This variant has not been reported in the literature in individuals affected with GRIN2B-related conditions. Invitae Evidence Modeling of protein sequence and biophysical properties (such as structural, functional, and spatial information, amino acid conservation, physicochemical variation, residue mobility, and thermodynamic stability) indicates that this missense variant is not expected to disrupt GRIN2B protein function with a negative predictive value of 95%. In summary, the available evidence is currently insufficient to determine the role of this variant in disease. Therefore, it has been classified as a Variant of Uncertain Significance.

NM_000834.5(GRIN2B):c.4026G>A (p.Met1342Ile)

Gene: GRIN2B (glutamate ionotropic receptor NMDA type subunit 2B; minus strand). Cytogenetic location: 12p13.1.
Variant type: single nucleotide variant.
Coding change: c.4026G>A on transcript NM_000834.5 (MANE Select); coding-DNA position 4026, G replaced by A.
Protein change: p.Met1342Ile; replaces methionine 1342 with isoleucine.
Molecular consequence: missense variant.
Genome position (GRCh38, 1-based): chr12:13,563,212, C>T on the plus strand (G>A on the coding strand, the complement: GRIN2B is on the minus strand). VCF-style: chr12-13563212-C-T. GRCh37 (hg19) VCF-style: chr12-13716146-C-T.
Other names: c.4026G>A, p.Met1342Ile (NM_001413992.1); short protein forms M1342I.
Identifiers: ClinVar variation 4793432 (VCV004793432.1).